The following is an entry in ClinVar:

ClinVar aggregate classification (germline): Likely benign. Review status: criteria provided, multiple submitters, no conflicts (2 of 4 stars). 2 submissions from 2 submitters: Likely benign (2). Last evaluated 2026-09-01.

Allele frequency attached by ClinVar (database versions not stated): gnomAD 0.00001; TOPMed 0.00001; gnomAD exomes 0.00002.
gnomAD v4.1: 24 of 1,613,508 alleles (0.0015%); highest among the groups gnomAD compares: East Asian, 0.013%; no homozygotes.

Submissions (2):

CeGaT Center for Human Genetics Tuebingen
Classification: Likely benign. Last evaluated: 2026-09-01. Review status: criteria provided, single submitter. Criteria: CeGaT Center For Human Genetics Tuebingen Variant Classification Criteria Version 2. Collection method: clinical testing. Allele origin: germline. Affected: yes. Observed: 1 variant allele.
Comment: UBR1: BP4, BP7

Labcorp Genetics (formerly Invitae), Labcorp
Classification: Likely benign. Last evaluated: 2023-06-15. Review status: criteria provided, single submitter. Criteria: Invitae Variant Classification Sherloc (09022015). Collection method: clinical testing. Allele origin: germline.

NM_174916.3(UBR1):c.2928G>A (p.Thr976=)

Gene: UBR1 (ubiquitin protein ligase E3 component n-recognin 1; minus strand). Cytogenetic location: 15q15.2.
Variant type: single nucleotide variant.
Coding change: c.2928G>A on transcript NM_174916.3 (MANE Select); coding-DNA position 2928, G replaced by A.
Protein change: p.Thr976=; no amino-acid change (threonine 976 retained).
Molecular consequence: synonymous variant.
Genome position (GRCh38, 1-based): chr15:43,021,287, C>T on the plus strand (G>A on the coding strand, the complement: UBR1 is on the minus strand). VCF-style: chr15-43021287-C-T. GRCh37 (hg19) VCF-style: chr15-43313485-C-T.
Identifiers: ClinVar variation 2976846 (VCV002976846.4), dbSNP rs757123489, ClinGen allele CA7518316.